The following is an entry in ClinVar:

NM_001145358.2(SIN3A):c.2864T>A (p.Val955Glu)

Gene: SIN3A (SIN3 transcription regulator family member A; minus strand). Cytogenetic location: 15q24.2.
Variant type: single nucleotide variant.
Coding change: c.2864T>A on transcript NM_001145358.2 (MANE Select); coding-DNA position 2864, T replaced by A.
Protein change: p.Val955Glu; replaces valine 955 with glutamic acid.
Molecular consequence: missense variant.
Genome position (GRCh38, 1-based): chr15:75,389,809, A>T on the plus strand (T>A on the coding strand, the complement: SIN3A is on the minus strand). VCF-style: chr15-75389809-A-T. GRCh37 (hg19) VCF-style: chr15-75682150-A-T.
Other names: c.2864T>A, p.Val955Glu (NM_001145357.2, NM_015477.3); short protein forms V955E.
Identifiers: ClinVar variation 3343515 (VCV003343515.1).
Genomic context (GRCh38, chr15:75,389,809, plus strand): 5'-TCTATGTTGCCATCCAGCAGGCTCCGCACCATGTCCAGGAAAGCTGGGTAATAATCTTCT[A>T]CATCAACATCCACTGTGGGAGAGATGGGATTGGTGAGGCCTTACCTTGCTAAGAAAAGAC-3'
Protein context (NP_001138830.1, residues 945-965): LRLKEPMDVD[Val955Glu]EDYYPAFLDM

ClinVar aggregate classification (germline): Uncertain significance (1 of 4 stars; one submission).

Submission:

GeneDx
Classification: Uncertain significance. Last evaluated: 2023-05-15. Review status: criteria provided, single submitter. Criteria: GeneDx Variant Classification Process June 2021. Collection method: clinical testing. Allele origin: germline. Affected: yes.
Comment: Not observed at significant frequency in large population cohorts (gnomAD); In silico analysis supports that this missense variant has a deleterious effect on protein structure/function; Has not been previously published as pathogenic or benign to our knowledge